The following is an entry in ClinVar:

ClinVar aggregate classification (germline): Benign/Likely benign. Review status: criteria provided, multiple submitters, no conflicts (2 of 4 stars). 9 submissions from 9 submitters: Benign (4); Likely benign (3). 2 of the submissions do not count toward it. Last evaluated 2026-02-02.

Conditions:
Disorders of Intracellular Cobalamin Metabolism. Identifiers: MedGen CN043592.
Methylcobalamin deficiency type cblG (HMAG). Also called: HOMOCYSTINURIA-MEGALOBLASTIC ANEMIA, cblG COMPLEMENTATION TYPE; HOMOCYSTINURIA-MEGALOBLASTIC ANEMIA DUE TO DEFECT IN COBALAMIN METABOLISM, cblG COMPLEMENTATION TYPE; HOMOCYSTINURIA-MEGALOBLASTIC ANEMIA, cblG TYPE; Functional methionine synthase deficiency type cblG. Identifiers: Orphanet 2170, Orphanet 622, MedGen C1855128, MONDO:0009609, OMIM 250940.

Allele frequency attached by ClinVar (database versions not stated): 1000 Genomes Project 30x 0.00094; 1000 Genomes Project 0.00100; TOPMed 0.00323; ESP Exome Variant Server 0.00438; gnomAD 0.00544 and 0.00576; gnomAD exomes 0.00576 and 0.00596; ExAC 0.00623.
gnomAD v4.1: 9,159 of 1,612,330 alleles (0.57%); highest among the groups gnomAD compares: Non-Finnish European, 0.59%; 61 homozygotes.

Submissions (9):

Labcorp Genetics (formerly Invitae), Labcorp
Classification: Benign for Methylcobalamin deficiency type cblG. Last evaluated: 2026-02-02. Review status: criteria provided, single submitter. Criteria: Invitae Variant Classification Sherloc (09022015). Collection method: clinical testing. Allele origin: germline.

CeGaT Center for Human Genetics Tuebingen
Classification: Likely benign. Last evaluated: 2025-02-01. Review status: criteria provided, single submitter. Criteria: CeGaT Center For Human Genetics Tuebingen Variant Classification Criteria Version 2. Collection method: clinical testing. Allele origin: germline. Affected: yes. Observed: 12 variant alleles.
Comment: MTR: BP4, BP7, BS2

ARUP Laboratories, Molecular Genetics and Genomics, ARUP Laboratories
Classification: Benign. Last evaluated: 2019-09-27. Review status: criteria provided, single submitter. Criteria: ARUP Molecular Germline Variant Investigation Process. Collection method: clinical testing. Allele origin: germline.

Illumina Laboratory Services, Illumina
Classification: Likely benign for Disorders of Intracellular Cobalamin Metabolism. Last evaluated: 2018-01-13. Review status: criteria provided, single submitter. Criteria: ICSL Variant Classification Criteria 13 December 2019. Collection method: clinical testing. Allele origin: germline.
Comment: This variant was observed in the ICSL laboratory as part of a predisposition screen in an ostensibly healthy population. It had not been previously curated by ICSL or reported in the Human Gene Mutation Database (HGMD: prior to June 1st, 2018), and was therefore a candidate for classification through an automated scoring system. Utilizing variant allele frequency, disease prevalence and penetrance estimates, and inheritance mode, an automated score was calculated to assess if this variant is too frequent to cause the disease. Based on the score and internal cut-off values, a variant classified as likely benign is not then subjected to further curation. The score for this variant resulted in a classification of likely benign for this disease.

GeneDx
Classification: Benign. Last evaluated: 2016-04-06. Review status: criteria provided, single submitter. Criteria: GeneDx Variant Classification (06012015). Collection method: clinical testing. Allele origin: germline. Affected: yes.
Comment: This variant is considered likely benign or benign based on one or more of the following criteria: it is a conservative change, it occurs at a poorly conserved position in the protein, it is predicted to be benign by multiple in silico algorithms, and/or has population frequency not consistent with disease.

Eurofins Ntd Llc (ga)
Classification: Benign. Last evaluated: 2015-05-19. Review status: criteria provided, single submitter. Criteria: EGL Classification Definitions 2015. Collection method: clinical testing. Allele origin: germline. Observed: 1 variant allele, 1 heterozygote.

Breakthrough Genomics
Classification: Likely benign. Review status: criteria provided, single submitter. Criteria: ACMG Guidelines, 2015. Collection method: not provided. Allele origin: germline. Inheritance: Autosomal recessive inheritance. Affected: yes.

Clinical Genetics DNA and cytogenetics Diagnostics Lab, Erasmus MC, Erasmus Medical Center
Classification: Likely benign. Review status: no assertion criteria provided. Collection method: clinical testing. Allele origin: germline. Affected: yes. Study: VKGL Data-share Consensus. Not counted in ClinVar's aggregate classification.

Clinical Genetics, Academic Medical Center
Classification: Benign. Review status: no assertion criteria provided. Collection method: clinical testing. Allele origin: germline. Affected: yes. Study: VKGL Data-share Consensus. Not counted in ClinVar's aggregate classification.

NM_000254.3(MTR):c.858C>T (p.Pro286=)

Gene: MTR (5-methyltetrahydrofolate-homocysteine methyltransferase; plus strand). Cytogenetic location: 1q43.
Variant type: single nucleotide variant.
Coding change: c.858C>T on transcript NM_000254.3 (MANE Select); coding-DNA position 858, C replaced by T.
Protein change: p.Pro286=; no amino-acid change (proline 286 retained).
Molecular consequence: synonymous variant. On other transcripts: 5 prime UTR variant (1).
Genome position (GRCh38, 1-based): chr1:236,824,212, C>T. VCF-style: chr1-236824212-C-T. GRCh37 (hg19) VCF-style: chr1-236987512-C-T.
Other names: c.858C>T, p.Pro286= (NM_001291939.1); c.-251C>T (NM_001291940.2).
Identifiers: ClinVar variation 199000 (VCV000199000.61), dbSNP rs146019467, ClinGen allele CA203702.
Genomic context (GRCh38, chr1:236,824,212, plus strand): 5'-AATGAGACCTTTTATTGAAATAATTGGAAAATGTACAACAGCCTATGTCCTCTGTTATCC[C>T]AATGCAGGTGTGTGTTTCAAGGGGGTCACACATGGGGAGATAAAAATAACATAAGACATG-3'
Protein context (NP_000245.2, residues 276-296): KCTTAYVLCY[Pro286=]NAGLPNTFGD